The following is an entry in ClinVar:

NM_001122681.2(SH3BP2):c.1445A>G (p.Asp482Gly)

Gene: SH3BP2 (SH3 domain binding protein 2; plus strand). Cytogenetic location: 4p16.3.
Variant type: single nucleotide variant.
Coding change: c.1445A>G on transcript NM_001122681.2 (MANE Select); coding-DNA position 1445, A replaced by G.
Protein change: p.Asp482Gly; replaces aspartic acid 482 with glycine.
Molecular consequence: missense variant.
Genome position (GRCh38, 1-based): chr4:2,832,369, A>G. VCF-style: chr4-2832369-A-G. GRCh37 (hg19) VCF-style: chr4-2834096-A-G.
Other names: c.1529A>G, p.Asp510Gly (NM_001145855.2); c.1616A>G, p.Asp539Gly (NM_001145856.2); c.1445A>G, p.Asp482Gly (NM_003023.4); short protein forms D482G, D510G, D539G.
Identifiers: ClinVar variation 1720140 (VCV001720140.5), dbSNP rs1269839699, ClinGen allele CA356058740.

ClinVar aggregate classification (germline): Uncertain significance (1 of 4 stars; one submission).

Conditions:
Fibrous dysplasia of jaw (CRBM). Also called: Cherubism. Identifiers: Orphanet 184, MedGen C0008029, MONDO:0007315, OMIM 118400.

Allele frequency attached by ClinVar (database versions not stated): gnomAD exomes below 0.00001; TOPMed 0.00001.
gnomAD v4.1: 3 of 1,613,984 alleles (0.00019%); highest among the groups gnomAD compares: Non-Finnish European, 0.000085%; no homozygotes.

Submission:

Labcorp Genetics (formerly Invitae), Labcorp
Classification: Uncertain significance for Fibrous dysplasia of jaw. Last evaluated: 2026-01-28. Review status: criteria provided, single submitter. Criteria: Invitae Variant Classification Sherloc (09022015). Collection method: clinical testing. Allele origin: germline.
Comment: This sequence change replaces aspartic acid, which is acidic and polar, with glycine, which is neutral and non-polar, at codon 482 of the SH3BP2 protein (p.Asp482Gly). This variant is present in population databases (no rsID available, gnomAD 0.003%). This variant has not been reported in the literature in individuals affected with SH3BP2-related conditions. ClinVar contains an entry for this variant (Variation ID: 1720140). Invitae Evidence Modeling of protein sequence and biophysical properties (such as structural, functional, and spatial information, amino acid conservation, physicochemical variation, residue mobility, and thermodynamic stability) indicates that this missense variant is not expected to disrupt SH3BP2 protein function with a negative predictive value of 95%. In summary, the available evidence is currently insufficient to determine the role of this variant in disease. Therefore, it has been classified as a Variant of Uncertain Significance.